The following is an entry in ClinVar:

ClinVar aggregate classification (germline): Pathogenic (1 of 4 stars; one submission).

Conditions:
Duchenne muscular dystrophy (DMD). Also called: Duchenne Muscular Dystrophy (DMD); MUSCULAR DYSTROPHY, PSEUDOHYPERTROPHIC PROGRESSIVE, DUCHENNE TYPE. Identifiers: Orphanet 98896, MedGen C0013264, MONDO:0010679, OMIM 310200.

Submission:

Labcorp Genetics (formerly Invitae), Labcorp
Classification: Pathogenic for Duchenne muscular dystrophy. Last evaluated: 2019-02-20. Review status: criteria provided, single submitter. Criteria: Invitae Variant Classification Sherloc (09022015). Collection method: clinical testing. Allele origin: germline.
Comment: Loss-of-function variants in DMD are known to be pathogenic (PMID: 16770791, 25007885). This variant has been observed in individuals affected with Duchenne muscular dystrophy (DMD) (PMID: 19837995). This variant is an out-of-frame deletion of the genomic region encompassing exon 11 of the DMD gene. This is expected to create a premature translational stop signal and result in an absent or disrupted protein product. For these reasons, this variant has been classified as Pathogenic.

Literature cited by the submitters: PubMed 16770791; PubMed 25007885; PubMed 19837995.

NC_000023.11:g.(?_32644122)_(32644323_?)del

Gene: DMD (dystrophin; minus strand). Cytogenetic location: Xp21.1.
Variant type: Deletion.
Identifiers: ClinVar variation 830845 (VCV000830845.8).